The following is an entry in ClinVar:

NM_006904.7(PRKDC):c.3092G>A (p.Arg1031Gln)

Gene: PRKDC (protein kinase, DNA-activated, catalytic subunit; minus strand). Cytogenetic location: 8q11.21.
Variant type: single nucleotide variant.
Coding change: c.3092G>A on transcript NM_006904.7 (MANE Select); coding-DNA position 3092, G replaced by A.
Protein change: p.Arg1031Gln; replaces arginine 1031 with glutamine.
Molecular consequence: missense variant.
Genome position (GRCh38, 1-based): chr8:47,902,746, C>T on the plus strand (G>A on the coding strand, the complement: PRKDC is on the minus strand). VCF-style: chr8-47902746-C-T. GRCh37 (hg19) VCF-style: chr8-48815306-C-T.
Other names: c.3092G>A, p.Arg1031Gln (NM_001081640.2); short protein forms R1031Q.
Identifiers: ClinVar variation 940037 (VCV000940037.10), dbSNP rs773506987, ClinGen allele CA4741268.

ClinVar aggregate classification (germline): Conflicting classifications of pathogenicity. Review status: criteria provided, conflicting classifications (1 of 4 stars). 2 submissions from 2 submitters: Uncertain significance (1); Likely benign (1). Last evaluated 2025-08-07.

Conditions:
Severe combined immunodeficiency due to DNA-PKcs deficiency. Also called: IMMUNODEFICIENCY 26 WITH NEUROLOGIC ABNORMALITIES; Immunodeficiency 26 with or without neurologic abnormalities. Identifiers: Orphanet 317425, MedGen C4014833, MONDO:0014423, OMIM 615966.

Allele frequency attached by ClinVar (database versions not stated): gnomAD 0.00001; TOPMed 0.00001; gnomAD exomes 0.00002 and 0.00006; ExAC 0.00007.
gnomAD v4.1: 36 of 1,613,298 alleles (0.0022%); highest among the groups gnomAD compares: Middle Eastern, 0.016%; no homozygotes.

Submissions (2):

Ambry Genetics
Classification: Likely benign. Last evaluated: 2025-08-07. Review status: criteria provided, single submitter. Criteria: Ambry Variant Classification Scheme 2023. Collection method: clinical testing. Allele origin: germline.

Labcorp Genetics (formerly Invitae), Labcorp
Classification: Uncertain significance for Severe combined immunodeficiency due to DNA-PKcs deficiency. Last evaluated: 2019-05-21. Review status: criteria provided, single submitter. Criteria: Invitae Variant Classification Sherloc (09022015). Collection method: clinical testing. Allele origin: germline.
Comment: In summary, the available evidence is currently insufficient to determine the role of this variant in disease. Therefore, it has been classified as a Variant of Uncertain Significance. Algorithms developed to predict the effect of sequence changes on RNA splicing suggest that this variant may create or strengthen a splice site, but this prediction has not been confirmed by published transcriptional studies. Algorithms developed to predict the effect of missense changes on protein structure and function (SIFT, PolyPhen-2, Align-GVGD) all suggest that this variant is likely to be tolerated, but these predictions have not been confirmed by published functional studies and their clinical significance is uncertain. This variant has not been reported in the literature in individuals with PRKDC-related conditions. This variant is present in population databases (rs773506987, ExAC 0.01%). This sequence change replaces arginine with glutamine at codon 1031 of the PRKDC protein (p.Arg1031Gln). The arginine residue is weakly conserved and there is a small physicochemical difference between arginine and glutamine.